The following is an entry in ClinVar:

ClinVar aggregate classification (germline): Uncertain significance (1 of 4 stars; one submission).

Conditions:
Familial adenomatous polyposis 1 (FAP1). Also called: FAMILIAL ADENOMATOUS POLYPOSIS 1, ATTENUATED; POLYPOSIS, ADENOMATOUS INTESTINAL. Identifiers: MedGen C2713442, MONDO:0021056, OMIM 175100. Disease mechanism: loss of function.

Allele frequency attached by ClinVar (database versions not stated): gnomAD exomes below 0.00001.

Submission:

Labcorp Genetics (formerly Invitae), Labcorp
Classification: Uncertain significance for Familial adenomatous polyposis 1. Last evaluated: 2022-09-23. Review status: criteria provided, single submitter. Criteria: Invitae Variant Classification Sherloc (09022015). Collection method: clinical testing. Allele origin: germline.
Comment: This sequence change replaces glutamine, which is neutral and polar, with arginine, which is basic and polar, at codon 2040 of the APC protein (p.Gln2040Arg). This variant is present in population databases (no rsID available, gnomAD 0.006%). This variant has not been reported in the literature in individuals affected with APC-related conditions. ClinVar contains an entry for this variant (Variation ID: 1395839). Advanced modeling of protein sequence and biophysical properties (such as structural, functional, and spatial information, amino acid conservation, physicochemical variation, residue mobility, and thermodynamic stability) performed at Invitae indicates that this missense variant is not expected to disrupt APC protein function. In summary, the available evidence is currently insufficient to determine the role of this variant in disease. Therefore, it has been classified as a Variant of Uncertain Significance.

NM_000038.6(APC):c.6119A>G (p.Gln2040Arg)

Gene: APC (APC regulator of Wnt signaling pathway; plus strand). Cytogenetic location: 5q22.2.
Variant type: single nucleotide variant.
Coding change: c.6119A>G on transcript NM_000038.6 (MANE Select); coding-DNA position 6119, A replaced by G.
Protein change: p.Gln2040Arg; replaces glutamine 2040 with arginine.
Molecular consequence: missense variant.
Genome position (GRCh38, 1-based): chr5:112,841,713, A>G. VCF-style: chr5-112841713-A-G. GRCh37 (hg19) VCF-style: chr5-112177410-A-G.
Other names: c.6119A>G, p.Gln2040Arg (NM_001127510.3, NM_001354895.2); c.6065A>G, p.Gln2022Arg (NM_001127511.3); c.6173A>G, p.Gln2058Arg (NM_001354896.2); c.6149A>G, p.Gln2050Arg (NM_001354897.2); c.6044A>G, p.Gln2015Arg (NM_001354898.2); c.6035A>G, p.Gln2012Arg (NM_001354899.2); c.5996A>G, p.Gln1999Arg (NM_001354900.2); c.5942A>G, p.Gln1981Arg (NM_001354901.2); and 5 more; short protein forms Q2015R, Q2040R, Q1880R, Q1914R, Q1939R, Q1999R, Q2012R, Q2058R.
Identifiers: ClinVar variation 1395839 (VCV001395839.8), dbSNP rs1226931431, ClinGen allele CA16034726.